The following is an entry in ClinVar:

NM_001003699.4(RREB1):c.4018C>G (p.Leu1340Val)

Gene: RREB1 (ras responsive element binding protein 1; plus strand). Cytogenetic location: 6p24.3.
Variant type: single nucleotide variant.
Coding change: c.4018C>G on transcript NM_001003699.4 (MANE Select); coding-DNA position 4018, C replaced by G.
Protein change: p.Leu1340Val; replaces leucine 1340 with valine.
Molecular consequence: missense variant. On other transcripts: intron variant (1).
Genome position (GRCh38, 1-based): chr6:7,246,468, C>G. VCF-style: chr6-7246468-C-G. GRCh37 (hg19) VCF-style: chr6-7246701-C-G.
Other names: c.3853C>G, p.Leu1285Val (NM_001003698.4, NM_001168344.2); c.3974-2043C>G (NM_001003700.2); short protein forms L1285V, L1340V.
Identifiers: ClinVar variation 3353078 (VCV003353078.1).

ClinVar aggregate classification (germline): Likely benign (0 of 4 stars; one submission).

Conditions:
RREB1-related disorder. Also called: RREB1-related condition.

gnomAD v4.1: 115 of 1,534,118 alleles (0.0075%); highest among the groups gnomAD compares: East Asian, 0.27%; 1 homozygote.

Submission:

PreventionGenetics, part of Exact Sciences
Classification: Likely benign for RREB1-related condition. Last evaluated: 2024-07-05. Review status: no assertion criteria provided. Collection method: clinical testing. Allele origin: germline.
Comment: This variant is classified as likely benign based on ACMG/AMP sequence variant interpretation guidelines (Richards et al. 2015 PMID: 25741868, with internal and published modifications).